The following is an entry in ClinVar:

ClinVar aggregate classification (germline): Likely benign. Review status: criteria provided, single submitter (1 of 4 stars). 2 submissions from 2 submitters: Likely benign (1). 1 of the submissions does not count toward it. Last evaluated 2025-12-16.

Conditions:
KMT2D-related disorder. Also called: KMT2D-Related Disorders.
Kabuki syndrome. Also called: NIIKAWA-KUROKI SYNDROME; Kabuki make-up syndrome. Identifiers: Orphanet 2322, MedGen C0796004, MONDO:0016512.

Allele frequency attached by ClinVar (database versions not stated): gnomAD 0.00001 and 0.00003; TOPMed 0.00002; ExAC 0.00003; gnomAD exomes 0.00005; ESP Exome Variant Server 0.00008; 1000 Genomes Project 30x 0.00047; 1000 Genomes Project 0.00060.
gnomAD v4.1: 77 of 1,612,666 alleles (0.0048%); highest among the groups gnomAD compares: Admixed American, 0.013%; no homozygotes.

Submissions (2):

Labcorp Genetics (formerly Invitae), Labcorp
Classification: Likely benign for Kabuki syndrome. Last evaluated: 2025-12-16. Review status: criteria provided, single submitter. Criteria: Invitae Variant Classification Sherloc (09022015). Collection method: clinical testing. Allele origin: germline.

PreventionGenetics, part of Exact Sciences
Classification: Likely benign for KMT2D-related condition. Last evaluated: 2020-09-25. Review status: no assertion criteria provided. Collection method: clinical testing. Allele origin: germline. Not counted in ClinVar's aggregate classification.
Comment: This variant is classified as likely benign based on ACMG/AMP sequence variant interpretation guidelines (Richards et al. 2015 PMID: 25741868, with internal and published modifications).

NM_003482.4(KMT2D):c.9297C>T (p.Arg3099=)

Gene: KMT2D (lysine methyltransferase 2D; minus strand). Cytogenetic location: 12q13.12.
Variant type: single nucleotide variant.
Coding change: c.9297C>T on transcript NM_003482.4 (MANE Select); coding-DNA position 9297, C replaced by T.
Protein change: p.Arg3099=; no amino-acid change (arginine 3099 retained).
Molecular consequence: synonymous variant.
Genome position (GRCh38, 1-based): chr12:49,038,059, G>A on the plus strand (C>T on the coding strand, the complement: KMT2D is on the minus strand). VCF-style: chr12-49038059-G-A. GRCh37 (hg19) VCF-style: chr12-49431842-G-A.
Identifiers: ClinVar variation 733141 (VCV000733141.11), dbSNP rs368160122, ClinGen allele CA6546719.